The following is an entry in ClinVar:

NM_001025295.3(IFITM5):c.80G>T (p.Gly27Val)

Gene: IFITM5 (interferon induced transmembrane protein 5; minus strand). Cytogenetic location: 11p15.5.
Variant type: single nucleotide variant.
Coding change: c.80G>T on transcript NM_001025295.3 (MANE Select); coding-DNA position 80, G replaced by T.
Protein change: p.Gly27Val; replaces glycine 27 with valine.
Molecular consequence: missense variant.
Genome position (GRCh38, 1-based): chr11:299,411, C>A on the plus strand (G>T on the coding strand, the complement: IFITM5 is on the minus strand). VCF-style: chr11-299411-C-A. GRCh37 (hg19) VCF-style: chr11-299411-C-A.
Other names: short protein forms G27V.
Identifiers: ClinVar variation 4696253 (VCV004696253.1).
Genomic context (GRCh38, chr11:299,411, plus strand): 5'-AGGTAGAGGGTGCTGAACACCGACCAGATCAAGTGGTCTCGAGGCGGGGGGTGCGGGGCC[C>A]CCAGTGTGAGGGCTGTGTGGGCACCGGCCTTGCTGGGCGTGGGGGCCCGGGTGTCCTCGC-3'
Protein context (NP_001020466.1, residues 17-37): KAGAHTALTL[Gly27Val]APHPPPRDHL

ClinVar aggregate classification (germline): Uncertain significance (1 of 4 stars; one submission).

Submission:

Labcorp Genetics (formerly Invitae), Labcorp
Classification: Uncertain significance. Last evaluated: 2025-05-18. Review status: criteria provided, single submitter. Criteria: Invitae Variant Classification Sherloc (09022015). Collection method: clinical testing. Allele origin: germline.
Comment: This sequence change replaces glycine, which is neutral and non-polar, with valine, which is neutral and non-polar, at codon 27 of the IFITM5 protein (p.Gly27Val). This variant is present in population databases (rs57285449, gnomAD 0.01%). This variant has not been reported in the literature in individuals affected with IFITM5-related conditions. An algorithm developed to predict the effect of missense changes on protein structure and function (PolyPhen-2) suggests that this variant is likely to be disruptive. In summary, the available evidence is currently insufficient to determine the role of this variant in disease. Therefore, it has been classified as a Variant of Uncertain Significance.